The following is an entry in ClinVar:

ClinVar aggregate classification (germline): Benign. Review status: criteria provided, single submitter (1 of 4 stars). 2 submissions from 2 submitters: Benign (1). 1 of the submissions does not count toward it. Last evaluated 2019-12-31.

Conditions:
GABRA6-related disorder. Also called: GABRA6-related condition.
Childhood absence epilepsy. Identifiers: Orphanet 64280, MedGen C4281785, MONDO:0010826.

Allele frequency attached by ClinVar (database versions not stated): 1000 Genomes Project 30x 0.00125; 1000 Genomes Project 0.00140; TOPMed 0.00142; ESP Exome Variant Server 0.00185; gnomAD exomes 0.00196 and 0.00247; gnomAD 0.00225 and 0.00227; ExAC 0.00241.
gnomAD v4.1: 3,209 of 1,613,460 alleles (0.2%); highest among the groups gnomAD compares: Middle Eastern, 0.35%; 10 homozygotes.

Submissions (2):

Labcorp Genetics (formerly Invitae), Labcorp
Classification: Benign for Childhood absence epilepsy. Last evaluated: 2019-12-31. Review status: criteria provided, single submitter. Criteria: Invitae Variant Classification Sherloc (09022015). Collection method: clinical testing. Allele origin: germline.

PreventionGenetics, part of Exact Sciences
Classification: Benign for GABRA6-related condition. Last evaluated: 2019-09-10. Review status: no assertion criteria provided. Collection method: clinical testing. Allele origin: germline. Not counted in ClinVar's aggregate classification.
Comment: This variant is classified as benign based on ACMG/AMP sequence variant interpretation guidelines (Richards et al. 2015 PMID: 25741868, with internal and published modifications).

NM_000811.3(GABRA6):c.805G>A (p.Val269Ile)

Gene: GABRA6 (gamma-aminobutyric acid type A receptor subunit alpha6; plus strand). Cytogenetic location: 5q34.
Variant type: single nucleotide variant.
Coding change: c.805G>A on transcript NM_000811.3 (MANE Select); coding-DNA position 805, G replaced by A.
Protein change: p.Val269Ile; replaces valine 269 with isoleucine.
Molecular consequence: missense variant.
Genome position (GRCh38, 1-based): chr5:161,690,332, G>A. VCF-style: chr5-161690332-G-A. GRCh37 (hg19) VCF-style: chr5-161117338-G-A.
Other names: short protein forms V269I.
Identifiers: ClinVar variation 707554 (VCV000707554.6), dbSNP rs150866100, ClinGen allele CA3544012.